The following is an entry in ClinVar:

ClinVar aggregate classification (germline): Uncertain significance (0 of 4 stars; one submission).

Conditions:
CSMD3-related disorder. Also called: CSMD3-related condition.

Submission:

PreventionGenetics, part of Exact Sciences
Classification: Uncertain significance for CSMD3-related condition. Last evaluated: 2024-05-22. Review status: no assertion criteria provided. Collection method: clinical testing. Allele origin: germline.
Comment: The CSMD3 c.3797A>C variant is predicted to result in the amino acid substitution p.Glu1266Ala. To our knowledge, this variant has not been reported in the literature or in a large population database, indicating this variant is rare. At this time, the clinical significance of this variant is uncertain due to the absence of conclusive functional and genetic evidence.

NM_198123.2(CSMD3):c.3797A>C (p.Glu1266Ala)

Gene: CSMD3 (CUB and Sushi multiple domains 3; minus strand). Cytogenetic location: 8q23.3.
Variant type: single nucleotide variant.
Coding change: c.3797A>C on transcript NM_198123.2 (MANE Select); coding-DNA position 3797, A replaced by C.
Protein change: p.Glu1266Ala; replaces glutamic acid 1266 with alanine.
Molecular consequence: missense variant.
Genome position (GRCh38, 1-based): chr8:112,587,154, T>G on the plus strand (A>C on the coding strand, the complement: CSMD3 is on the minus strand). VCF-style: chr8-112587154-T-G. GRCh37 (hg19) VCF-style: chr8-113599383-T-G.
Other names: c.3407A>C, p.Glu1136Ala (NM_001363185.1); c.3485A>C, p.Glu1162Ala (NM_052900.3); c.3677A>C, p.Glu1226Ala (NM_198124.2); short protein forms E1136A, E1162A, E1226A, E1266A.
Identifiers: ClinVar variation 3346728 (VCV003346728.1).
Genomic context (GRCh38, chr8:112,587,154, plus strand): 5'-AATGTTCTGGCTGAAATATTGATTCCCTTTCCTGCTTGAACCTGAATACTATAAATGCAT[T>G]CATGGTTGTTTTCATAGTTGAGTGGATAATTTGGAGACAGCAAAATTCCTTCATTATTCG-3'
Protein context (NP_937756.1, residues 1256-1276): NYPLNYENNH[Glu1266Ala]CIYSIQVQAG